The following is an entry in ClinVar:

NM_001042492.3(NF1):c.169G>T (p.Gly57Cys)

Gene: NF1 (neurofibromin 1; plus strand). Cytogenetic location: 17q11.2.
Variant type: single nucleotide variant.
Coding change: c.169G>T on transcript NM_001042492.3 (MANE Select); coding-DNA position 169, G replaced by T.
Protein change: p.Gly57Cys; replaces glycine 57 with cysteine.
Molecular consequence: missense variant.
Genome position (GRCh38, 1-based): chr17:31,156,091, G>T. VCF-style: chr17-31156091-G-T. GRCh37 (hg19) VCF-style: chr17-29483109-G-T.
Other names: c.169G>T, p.Gly57Cys (NM_000267.4, NM_001128147.3); short protein forms G57C.
Identifiers: ClinVar variation 840951 (VCV000840951.6), dbSNP rs779727341, ClinGen allele CA398988615.

ClinVar aggregate classification (germline): Uncertain significance (1 of 4 stars; one submission).

Conditions:
Neurofibromatosis, type 1 (NF1). Also called: Peripheral type neurofibromatosis; VON RECKLINGHAUSEN DISEASE; Neurofibromatosis, type I; NEUROFIBROMATOSIS, TYPE I, SOMATIC. Identifiers: Orphanet 636, MedGen C0027831, MONDO:0018975, OMIM 162200. Disease mechanism: loss of function.

Submission:

Labcorp Genetics (formerly Invitae), Labcorp
Classification: Uncertain significance for Neurofibromatosis, type 1. Last evaluated: 2021-07-03. Review status: criteria provided, single submitter. Criteria: Invitae Variant Classification Sherloc (09022015). Collection method: clinical testing. Allele origin: germline.
Comment: This sequence change replaces glycine with cysteine at codon 57 of the NF1 protein (p.Gly57Cys). The glycine residue is highly conserved and there is a large physicochemical difference between glycine and cysteine. This variant is not present in population databases (ExAC no frequency). This variant has not been reported in the literature in individuals with NF1-related conditions. Algorithms developed to predict the effect of missense changes on protein structure and function are either unavailable or do not agree on the potential impact of this missense change (SIFT: "Deleterious"; PolyPhen-2: "Probably Damaging"; Align-GVGD: "Class C0"). In summary, the available evidence is currently insufficient to determine the role of this variant in disease. Therefore, it has been classified as a Variant of Uncertain Significance.